The following is an entry in ClinVar:

NM_000275.3(OCA2):c.2165T>C (p.Ile722Thr)

Gene: OCA2 (OCA2 melanosomal transmembrane protein; minus strand). Cytogenetic location: 15q13.1.
Variant type: single nucleotide variant.
Coding change: c.2165T>C on transcript NM_000275.3 (MANE Select); coding-DNA position 2165, T replaced by C.
Protein change: p.Ile722Thr; replaces isoleucine 722 with threonine.
Molecular consequence: missense variant.
Genome position (GRCh38, 1-based): chr15:27,871,233, A>G on the plus strand (T>C on the coding strand, the complement: OCA2 is on the minus strand). VCF-style: chr15-27871233-A-G. GRCh37 (hg19) VCF-style: chr15-28116379-A-G.
Other names: c.2093T>C, p.Ile698Thr (NM_001300984.2); short protein forms I722T, I698T.
Identifiers: ClinVar variation 255728 (VCV000255728.18), dbSNP rs1800417, ClinGen allele CA7438718.
Genomic context (GRCh38, chr15:27,871,233, plus strand): 5'-ATGTTGTCAATCAGGGACGACGCCAGGGCTGAGACCCACACCACCAGGACAATGGCGGCT[A>G]TGAGGCGCTGCTCCTCTGGGACCATCTGGAAGGAGGACAATAGCAGCTGCAGTGTTCCAT-3'
Protein context (NP_000266.2, residues 712-732): IKMVPEEQRL[Ile722Thr]AAIVLVVWVS

ClinVar aggregate classification (germline): Benign. Review status: criteria provided, multiple submitters, no conflicts (2 of 4 stars). 5 submissions from 5 submitters: Benign (5). Last evaluated 2026-02-04.

Conditions:
Tyrosinase-positive oculocutaneous albinism (OCA2). Also called: ALBINISM II; Oculocutaneous albinism type 2; Albinism, oculocutaneous, type II. Identifiers: Orphanet 79432, MedGen C0268495, MONDO:0008746, OMIM 203200.

Allele frequency attached by ClinVar (database versions not stated): gnomAD exomes 0.00241 and 0.00497; ExAC 0.00583; gnomAD 0.01584 and 0.01681; 1000 Genomes Project 0.01617; 1000 Genomes Project 30x 0.01671; TOPMed 0.01858; ESP Exome Variant Server 0.01953.
gnomAD v4.1: 6,149 of 1,614,112 alleles (0.38%); highest among the groups gnomAD compares: African/African-American, 5.2%; 118 homozygotes.

Submissions (5):

Labcorp Genetics (formerly Invitae), Labcorp
Classification: Benign. Last evaluated: 2026-02-04. Review status: criteria provided, single submitter. Criteria: Invitae Variant Classification Sherloc (09022015). Collection method: clinical testing. Allele origin: germline.

GeneDx
Classification: Benign. Last evaluated: 2021-06-10. Review status: criteria provided, single submitter. Criteria: GeneDx Variant Classification Process June 2021. Collection method: clinical testing. Allele origin: germline. Affected: yes.

Illumina Laboratory Services, Illumina
Classification: Benign for Tyrosinase-positive oculocutaneous albinism. Last evaluated: 2018-01-13. Review status: criteria provided, single submitter. Criteria: ICSL Variant Classification Criteria 13 December 2019. Collection method: clinical testing. Allele origin: germline.
Comment: This variant was observed in the ICSL laboratory as part of a predisposition screen in an ostensibly healthy population. It had not been previously curated by ICSL or reported in the Human Gene Mutation Database (HGMD: prior to June 1st, 2018), and was therefore a candidate for classification through an automated scoring system. Utilizing variant allele frequency, disease prevalence and penetrance estimates, and inheritance mode, an automated score was calculated to assess if this variant is too frequent to cause the disease. Based on the score and internal cut-off values, a variant classified as benign is not then subjected to further curation. The score for this variant resulted in a classification of benign for this disease.

Breakthrough Genomics
Classification: Benign. Review status: criteria provided, single submitter. Criteria: ACMG Guidelines, 2015. Collection method: not provided. Allele origin: germline. Inheritance: Autosomal recessive inheritance. Affected: yes.

PreventionGenetics, part of Exact Sciences
Classification: Benign. Review status: criteria provided, single submitter. Criteria: ACMG Guidelines, 2015. Collection method: clinical testing. Allele origin: germline.